The following is an entry in ClinVar:

ClinVar aggregate classification (germline): Uncertain significance. Review status: criteria provided, multiple submitters, no conflicts (2 of 4 stars). 2 submissions from 2 submitters: Uncertain significance (2). Last evaluated 2025-12-24.

Conditions:
X-linked lymphoproliferative disease due to XIAP deficiency. Also called: XIAP-Related Lymphoproliferative Disease, X-Linked; XIAP DEFICIENCY. Identifiers: Orphanet 2442, Orphanet 538934, MedGen C1845076, MONDO:0010385, OMIM 300635.

gnomAD v4.1: 1 of 1,211,838 alleles (0.000083%); highest among the groups gnomAD compares: Non-Finnish European, 0.00011%; no homozygotes.

Submissions (2):

Labcorp Genetics (formerly Invitae), Labcorp
Classification: Uncertain significance for X-linked lymphoproliferative disease due to XIAP deficiency. Last evaluated: 2025-12-24. Review status: criteria provided, single submitter. Criteria: Invitae Variant Classification Sherloc (09022015). Collection method: clinical testing. Allele origin: germline.
Comment: This sequence change replaces alanine, which is neutral and non-polar, with threonine, which is neutral and polar, at codon 79 of the XIAP protein (p.Ala79Thr). This variant is not present in population databases (gnomAD no frequency). This variant has not been reported in the literature in individuals affected with XIAP-related conditions. Invitae Evidence Modeling of protein sequence and biophysical properties (such as structural, functional, and spatial information, amino acid conservation, physicochemical variation, residue mobility, and thermodynamic stability) indicates that this missense variant is not expected to disrupt XIAP protein function with a negative predictive value of 80%. In summary, the available evidence is currently insufficient to determine the role of this variant in disease. Therefore, it has been classified as a Variant of Uncertain Significance.

Dasa
Classification: Uncertain significance for X-linked lymphoproliferative disease due to XIAP deficiency. Last evaluated: 2025-09-29. Review status: criteria provided, single submitter. Criteria: DASA Assertion Criteria. Collection method: clinical testing. Allele origin: germline.
Comment: NM_001167.4(XIAP):c.235G>A (p.Ala79Thr) is a missense variant that results in the substitution of alanine with threonine. This variant is rare in population databases. The currently available literature and clinical evidence are not sufficient to establish a definitive association between this variant and the reported condition. Therefore, this variant is classified as a variant of uncertain significance.

NM_001167.4(XIAP):c.235G>A (p.Ala79Thr)

Gene: XIAP (X-linked inhibitor of apoptosis; plus strand). Cytogenetic location: Xq25.
Variant type: single nucleotide variant.
Coding change: c.235G>A on transcript NM_001167.4 (MANE Select); coding-DNA position 235, G replaced by A.
Protein change: p.Ala79Thr; replaces alanine 79 with threonine.
Molecular consequence: missense variant.
Genome position (GRCh38, 1-based): chrX:123,885,897, G>A. VCF-style: chrX-123885897-G-A. GRCh37 (hg19) VCF-style: chrX-123019747-G-A.
Other names: c.235G>A, p.Ala79Thr (NM_001204401.2, NM_001378590.1, NM_001378591.1 and 1 more transcripts); short protein forms A79T.
Identifiers: ClinVar variation 4746392 (VCV004746392.3).